The following is an entry in ClinVar:

NM_001031689.3(PLAA):c.1486+6A>T

Gene: PLAA (phospholipase A2 activating protein; minus strand). Cytogenetic location: 9p21.2.
Variant type: single nucleotide variant.
Coding change: c.1486+6A>T on transcript NM_001031689.3 (MANE Select); 6 bases into the intron after coding-DNA position 1486, A replaced by T.
Molecular consequence: intron variant.
Genome position (GRCh38, 1-based): chr9:26,917,091, T>A on the plus strand (A>T on the coding strand, the complement: PLAA is on the minus strand). VCF-style: chr9-26917091-T-A. GRCh37 (hg19) VCF-style: chr9-26917089-T-A.
Other names: c.1417+2219A>T (NM_001321546.2).
Identifiers: ClinVar variation 1659125 (VCV001659125.38), dbSNP rs189073379, ClinGen allele CA5014356.

ClinVar aggregate classification (germline): Benign/Likely benign. Review status: criteria provided, multiple submitters, no conflicts (2 of 4 stars). 4 submissions from 4 submitters: Benign (1); Likely benign (3). Last evaluated 2026-01-31.

Conditions:
Neurodevelopmental disorder with progressive microcephaly, spasticity, and brain anomalies. Identifiers: Orphanet 521426, MedGen C4479631, MONDO:0060502, OMIM 617527.

Allele frequency attached by ClinVar (database versions not stated): 1000 Genomes Project 0.00080; 1000 Genomes Project 30x 0.00109; gnomAD exomes 0.00154 and 0.00196; TOPMed 0.00155; gnomAD 0.00158; ExAC 0.00177; ESP Exome Variant Server 0.00223.
gnomAD v4.1: 3,068 of 1,611,678 alleles (0.19%); highest among the groups gnomAD compares: Non-Finnish European, 0.24%; 3 homozygotes.

Submissions (4):

Labcorp Genetics (formerly Invitae), Labcorp
Classification: Benign. Last evaluated: 2026-01-31. Review status: criteria provided, single submitter. Criteria: Invitae Variant Classification Sherloc (09022015). Collection method: clinical testing. Allele origin: germline.

CeGaT Center for Human Genetics Tuebingen
Classification: Likely benign. Last evaluated: 2026-01-01. Review status: criteria provided, single submitter. Criteria: CeGaT Center For Human Genetics Tuebingen Variant Classification Criteria Version 2. Collection method: clinical testing. Allele origin: germline. Affected: yes. Observed: 5 variant alleles.
Comment: PLAA: BP4, BS2

Blueprint Genetics
Classification: Likely benign. Last evaluated: 2024-11-23. Review status: criteria provided, single submitter. Criteria: ACMG Guidelines, 2015. Collection method: clinical testing. Allele origin: germline.

Fulgent Genetics
Classification: Likely benign for Neurodevelopmental disorder with progressive microcephaly, spasticity, and brain anomalies. Last evaluated: 2021-07-06. Review status: criteria provided, single submitter. Criteria: ACMG Guidelines, 2015. Collection method: clinical testing. Allele origin: unknown.